The following is an entry in ClinVar:

ClinVar aggregate classification (germline): Uncertain significance (1 of 4 stars; one submission).

Conditions:
Hereditary pancreatitis (PCTT). Also called: Hereditary chronic pancreatitis; PRSS1-Related Hereditary Pancreatitis. Identifiers: Orphanet 676, MedGen C0238339, MONDO:0008185, OMIM 167800.

Submission:

Ambry Genetics
Classification: Uncertain significance for Hereditary pancreatitis. Last evaluated: 2024-08-13. Review status: criteria provided, single submitter. Criteria: Ambry Variant Classification Scheme 2023. Collection method: clinical testing. Allele origin: germline.
Comment: The p.E43Q variant (also known as c.127G>C), located in coding exon 2 of the CPA1 gene, results from a G to C substitution at nucleotide position 127. The glutamic acid at codon 43 is replaced by glutamine, an amino acid with highly similar properties. This amino acid position is conserved. In addition, this alteration is predicted to be tolerated by in silico analysis. Based on the available evidence, the clinical significance of this variant remains unclear.

NM_001868.4(CPA1):c.127G>C (p.Glu43Gln)

Gene: CPA1 (carboxypeptidase A1; plus strand). Cytogenetic location: 7q32.2.
Variant type: single nucleotide variant.
Coding change: c.127G>C on transcript NM_001868.4 (MANE Select); coding-DNA position 127, G replaced by C.
Protein change: p.Glu43Gln; replaces glutamic acid 43 with glutamine.
Molecular consequence: missense variant.
Genome position (GRCh38, 1-based): chr7:130,381,159, G>C. VCF-style: chr7-130381159-G-C. GRCh37 (hg19) VCF-style: chr7-130021000-G-C.
Other names: short protein forms E43Q.
Identifiers: ClinVar variation 3496191 (VCV003496191.1).
Genomic context (GRCh38, chr7:130,381,159, plus strand): 5'-CATCAGGTGCTCCGAATCTCTGTAGCCGATGAGGCCCAGGTACAGAAGGTGAAGGAGCTG[G>C]AGGACCTGGAGCACCTGCAGGTCAGAAGAGGGGAGAAGGGCTCTCTGAGGCCCCAGGGTA-3'
Protein context (NP_001859.1, residues 33-53): EAQVQKVKEL[Glu43Gln]DLEHLQLDFW